The following is an entry in ClinVar:

ClinVar aggregate classification (germline): Uncertain significance (1 of 4 stars; one submission).

Conditions:
Neuronal ceroid lipofuscinosis 11. Also called: GRN-Related Neuronal Ceroid-Lipofuscinosis. Identifiers: Orphanet 314629, Orphanet 79262, MedGen C3539123, MONDO:0013866, OMIM 614706.
GRN-related frontotemporal lobar degeneration with Tdp43 inclusions (FTD2). Also called: GRN Frontotemporal Dementia; FRONTOTEMPORAL DEMENTIA WITH TDP43 INCLUSIONS, GRN-RELATED; DEMENTIA, HEREDITARY DYSPHASIC DISINHIBITION; FRONTOTEMPORAL LOBAR DEGENERATION WITH UBIQUITIN-POSITIVE INCLUSIONS; FTLD-TDP, GRN-RELATED. Identifiers: Orphanet 100070, Orphanet 282, MedGen C1843792, MONDO:0011842, OMIM 607485. Disease mechanism: loss of function.

Submission:

Labcorp Genetics (formerly Invitae), Labcorp
Classification: Uncertain significance for Neuronal ceroid lipofuscinosis 11; GRN-related frontotemporal lobar degeneration with Tdp43 inclusions. Last evaluated: 2024-06-12. Review status: criteria provided, single submitter. Criteria: Invitae Variant Classification Sherloc (09022015). Collection method: clinical testing. Allele origin: germline.
Comment: This sequence change replaces serine, which is neutral and polar, with proline, which is neutral and non-polar, at codon 398 of the GRN protein (p.Ser398Pro). This variant is not present in population databases (gnomAD no frequency). This variant has not been reported in the literature in individuals affected with GRN-related conditions. Advanced modeling of protein sequence and biophysical properties (such as structural, functional, and spatial information, amino acid conservation, physicochemical variation, residue mobility, and thermodynamic stability) performed at Invitae indicates that this missense variant is not expected to disrupt GRN protein function with a negative predictive value of 80%. In summary, the available evidence is currently insufficient to determine the role of this variant in disease. Therefore, it has been classified as a Variant of Uncertain Significance.

NM_002087.4(GRN):c.1192T>C (p.Ser398Pro)

Gene: GRN (granulin precursor; plus strand). Cytogenetic location: 17q21.31.
Variant type: single nucleotide variant.
Coding change: c.1192T>C on transcript NM_002087.4 (MANE Select); coding-DNA position 1192, T replaced by C.
Protein change: p.Ser398Pro; replaces serine 398 with proline.
Molecular consequence: missense variant.
Genome position (GRCh38, 1-based): chr17:44,352,027, T>C. VCF-style: chr17-44352027-T-C. GRCh37 (hg19) VCF-style: chr17-42429395-T-C.
Other names: short protein forms S398P.
Identifiers: ClinVar variation 3763853 (VCV003763853.2).